The following is an entry in ClinVar:

ClinVar aggregate classification (germline): Uncertain significance (1 of 4 stars; one submission).

Conditions:
Familial thoracic aortic aneurysm and aortic dissection (TAAD). Also called: Thoracic aortic aneurysms and dissections. Identifiers: Orphanet 91387, MedGen C4707243, MONDO:0019625.

Submission:

Ambry Genetics
Classification: Uncertain significance for Familial thoracic aortic aneurysm and aortic dissection. Last evaluated: 2025-10-05. Review status: criteria provided, single submitter. Criteria: Ambry Variant Classification Scheme 2023. Collection method: clinical testing. Allele origin: germline.
Comment: The p.D1270Y variant (also known as c.3808G>T), located in coding exon 27 of the MYH11 gene, results from a G to T substitution at nucleotide position 3808. The aspartic acid at codon 1270 is replaced by tyrosine, an amino acid with highly dissimilar properties. This amino acid position is conserved. In addition, the in silico prediction for this alteration is inconclusive. Based on the available evidence, the clinical significance of this variant remains unclear.

NM_002474.3(MYH11):c.3808G>T (p.Asp1270Tyr)

Gene: MYH11 (myosin heavy chain 11; minus strand). Cytogenetic location: 16p13.11.
Variant type: single nucleotide variant.
Coding change: c.3808G>T on transcript NM_002474.3 (MANE Select); coding-DNA position 3808, G replaced by T.
Protein change: p.Asp1270Tyr; replaces aspartic acid 1270 with tyrosine.
Molecular consequence: missense variant.
Genome position (GRCh38, 1-based): chr16:15,726,898, C>A on the plus strand (G>T on the coding strand, the complement: MYH11 is on the minus strand). VCF-style: chr16-15726898-C-A. GRCh37 (hg19) VCF-style: chr16-15820755-C-A.
Other names: c.3829G>T, p.Asp1277Tyr (NM_001040113.2, NM_001040114.2); c.3808G>T, p.Asp1270Tyr (NM_022844.3); short protein forms D1270Y, D1277Y.
Identifiers: ClinVar variation 4635414 (VCV004635414.1).